The following is an entry in ClinVar:

ClinVar aggregate classification (germline): Likely benign. Review status: criteria provided, multiple submitters, no conflicts (2 of 4 stars). 2 submissions from 2 submitters: Likely benign (2). Last evaluated 2026-05-13.

Conditions:
SEMA7A-related disorder. Also called: SEMA7A-related condition.

gnomAD v4.1: 2,502 of 1,613,584 alleles (0.16%); highest among the groups gnomAD compares: Admixed American, 0.33%; 2 homozygotes.

Submissions (2):

Women's Health and Genetics/Laboratory Corporation of America, LabCorp
Classification: Likely benign. Last evaluated: 2026-05-13. Review status: criteria provided, single submitter. Criteria: LabCorp Variant Classification Summary - May 2015. Collection method: clinical testing. Allele origin: germline.
Comment: Variant summary: SEMA7A c.325C>T (p.Arg109Cys) results in a non-conservative amino acid change in the encoded protein sequence. Algorithms developed to predict the effect of missense changes on protein structure and function are either unavailable or do not agree on the potential impact of this missense change. The variant allele was found at a frequency of 0.0013 in 250362 control chromosomes, predominantly at a frequency of 0.0045 within the Latino subpopulation in the gnomAD database, including 1 homozygotes. The observed variant frequency within Latino control individuals in the gnomAD database exceeds the estimated maximal expected allele frequency for disease-causing variants in SEMA7A. To our knowledge, no occurrence of c.325C>T in individuals affected with SEMA7A-related conditions and no experimental evidence demonstrating its impact on protein function have been reported. No submitters have cited clinical-significance assessments for this variant to ClinVar. Based on the evidence outlined above, the variant was classified as likely benign.

PreventionGenetics, part of Exact Sciences
Classification: Likely benign for SEMA7A-related condition. Last evaluated: 2025-12-05. Review status: criteria provided, single submitter. Criteria: ACMG Guidelines, 2015. Collection method: clinical testing. Allele origin: germline.
Comment: This variant is classified as likely benign based on ACMG/AMP sequence variant interpretation guidelines (Richards et al. 2015 PMID: 25741868, with internal and published modifications).

NM_003612.5(SEMA7A):c.325C>T (p.Arg109Cys)

Gene: SEMA7A (semaphorin 7A (JohnMiltonHagen blood group); minus strand). Cytogenetic location: 15q24.1.
Variant type: single nucleotide variant.
Coding change: c.325C>T on transcript NM_003612.5 (MANE Select); coding-DNA position 325, C replaced by T.
Protein change: p.Arg109Cys; replaces arginine 109 with cysteine.
Molecular consequence: missense variant. On other transcripts: 5 prime UTR variant (1).
Genome position (GRCh38, 1-based): chr15:74,418,806, G>A on the plus strand (C>T on the coding strand, the complement: SEMA7A is on the minus strand). VCF-style: chr15-74418806-G-A. GRCh37 (hg19) VCF-style: chr15-74711147-G-A.
Other names: c.325C>T, p.Arg109Cys (NM_001146029.3); c.-171C>T (NM_001146030.3); c.325C>T (NM_003612.4); short protein forms R109C.
Identifiers: ClinVar variation 4853110 (VCV004853110.2).